The following is an entry in ClinVar:

NM_001277115.2(DNAH11):c.3271G>A (p.Ala1091Thr)

Genes: DNAH11 (dynein axonemal heavy chain 11; plus strand), LOC126859961 (BRD4-independent group 4 enhancer GRCh37_chr7:21639662-21640861; plus strand). Cytogenetic location: 7p15.3.
Variant type: single nucleotide variant.
Coding change: c.3271G>A on transcript NM_001277115.2 (MANE Select); coding-DNA position 3271, G replaced by A.
Protein change: p.Ala1091Thr; replaces alanine 1091 with threonine.
Molecular consequence: missense variant.
Genome position (GRCh38, 1-based): chr7:21,601,025, G>A. VCF-style: chr7-21601025-G-A. GRCh37 (hg19) VCF-style: chr7-21640643-G-A.
Other names: short protein forms A1091T.
Identifiers: ClinVar variation 3636716 (VCV003636716.2).
Genomic context (GRCh38, chr7:21,601,025, plus strand): 5'-TGGCTTTTCACTGAGTTGTTCTAATTAATCTTTTTCTCACTACAGATTGACATTTATGAA[G>A]CTTTGTATGTTCAAATGAGCAAATTTGAGGACTTTAGAGTGTTTGATAGTTGGTTCAAGG-3'
Protein context (NP_001264044.1, residues 1081-1101): QFKEQIDIYE[Ala1091Thr]LYVQMSKFED

ClinVar aggregate classification (germline): Uncertain significance (1 of 4 stars; one submission).

Conditions:
Primary ciliary dyskinesia. Also called: Ciliary dyskinesia. Identifiers: Orphanet 244, MedGen C0008780, MONDO:0016575, HP:0012265.

Submission:

Labcorp Genetics (formerly Invitae), Labcorp
Classification: Uncertain significance for Primary ciliary dyskinesia. Last evaluated: 2024-10-17. Review status: criteria provided, single submitter. Criteria: Invitae Variant Classification Sherloc (09022015). Collection method: clinical testing. Allele origin: germline.
Comment: This sequence change replaces alanine, which is neutral and non-polar, with threonine, which is neutral and polar, at codon 1091 of the DNAH11 protein (p.Ala1091Thr). This variant is not present in population databases (gnomAD no frequency). This variant has not been reported in the literature in individuals affected with DNAH11-related conditions. Invitae Evidence Modeling of protein sequence and biophysical properties (such as structural, functional, and spatial information, amino acid conservation, physicochemical variation, residue mobility, and thermodynamic stability) indicates that this missense variant is not expected to disrupt DNAH11 protein function with a negative predictive value of 95%. In summary, the available evidence is currently insufficient to determine the role of this variant in disease. Therefore, it has been classified as a Variant of Uncertain Significance.